The following is an entry in ClinVar:

NM_001267550.2(TTN):c.91445_91446del (p.Thr30482fs)

Genes: TTN-AS1 (TTN antisense RNA 1; plus strand), TTN (titin; minus strand). Cytogenetic location: 2q31.2.
Variant type: Microsatellite.
Coding change: c.91445_91446del on transcript NM_001267550.2 (MANE Select); coding-DNA positions 91445 to 91446, 2 bases deleted (CA; older notation c.91445_91446delCA).
Protein change: p.Thr30482fs; shifts the reading frame from threonine 30482.
Molecular consequence: frameshift variant.
Genome position (GRCh38, 1-based): chr2:178,551,085-178,551,086, TG deleted on the plus strand (CA on the coding strand, the reverse complement: TTN is on the minus strand); deleting any 2 consecutive bases within chr2:178,551,085-178,551,089 gives the same sequence; the c. name uses the placement nearest the transcript's 3' end. VCF-style (leftmost placement, unchanged base first): chr2-178551084-CTG-C. GRCh37 (hg19) VCF-style: chr2-179415811-CTG-C.
Other names: c.86522_86523del, p.Thr28841fs (NM_001256850.1); c.64250_64251del, p.Thr21417fs (NM_003319.4); c.83741_83742del, p.Thr27914fs (NM_133378.4); c.64625_64626del, p.Thr21542fs (NM_133432.3); c.64826_64827del, p.Thr21609fs (NM_133437.4); c.64250_64251delCA (NM_003319.4); short protein forms T30482fs, T28841fs, T21417fs, T27914fs, T21542fs, T21609fs.
Identifiers: ClinVar variation 856954 (VCV000856954.12), dbSNP rs1699247877, ClinGen allele CA916081317.
Genomic context (GRCh38, chr2:178,551,084, plus strand): 5'-CAACAGCATTTCTTGCAATTATTCTGAACTCATAGCGATCCCCAGGACTGAGTCCTGTAA[CTG>C]TGTACTGACATTCACTGACGTCAGTAAAGTTGCATCTCACCCAGCGTTCATTTCCTTGCC-3'

ClinVar aggregate classification (germline): Likely pathogenic. Review status: criteria provided, multiple submitters, no conflicts (2 of 4 stars). 3 submissions from 3 submitters: Likely pathogenic (3). Last evaluated 2025-06-11.

Conditions:
Dilated cardiomyopathy 1G (CMD1G). Identifiers: Orphanet 154, MedGen C1858763, MONDO:0011400, OMIM 604145.
Autosomal recessive limb-girdle muscular dystrophy type 2J (LGMDR10). Also called: Limb-girdle muscular dystrophy, type 2J; MUSCULAR DYSTROPHY, LIMB-GIRDLE, AUTOSOMAL RECESSIVE 10. Identifiers: Orphanet 140922, MedGen C1837342, MONDO:0012127, OMIM 608807.
Cardiovascular phenotype. Identifiers: MedGen CN230736.
Primary dilated cardiomyopathy (DCM). Also called: Dilated Cardiomyopathy. Identifiers: Orphanet 217604, MedGen C0007193, MeSH D002311, MONDO:0005021, HP:0001644. Inheritance: Various modes of inheritance.

Submissions (3):

Labcorp Genetics (formerly Invitae), Labcorp
Classification: Likely pathogenic for Dilated cardiomyopathy 1G; Autosomal recessive limb-girdle muscular dystrophy type 2J. Last evaluated: 2025-06-11. Review status: criteria provided, single submitter. Criteria: Invitae Variant Classification Sherloc (09022015). Collection method: clinical testing. Allele origin: germline.
Comment: This sequence change creates a premature translational stop signal (p.Thr30482Serfs*11) in the TTN gene. While this is not anticipated to result in nonsense mediated decay, it is expected to create a truncated TTN protein. This variant is not present in population databases (gnomAD no frequency). This premature translational stop signal has been observed in individual(s) with dilated cardiomyopathy (internal data). ClinVar contains an entry for this variant (Variation ID: 856954). This variant is located in the A band of TTN (PMID: 25589632). Truncating variants in this region are significantly overrepresented in patients affected with dilated cardiomyopathy (PMID: 25589632). Truncating variants in this region have also been reported in individuals affected with autosomal recessive centronuclear myopathy (PMID: 23975875). In summary, the currently available evidence indicates that the variant is pathogenic, but additional data are needed to prove that conclusively. Therefore, this variant has been classified as Likely Pathogenic.

Ambry Genetics
Classification: Likely pathogenic for Cardiovascular phenotype. Last evaluated: 2024-04-28. Review status: criteria provided, single submitter. Criteria: Ambry Variant Classification Scheme 2023. Collection method: clinical testing. Allele origin: germline.
Comment: The c.64250_64251delCA variant, located in coding exon 163 of the TTN gene, results from a deletion of two nucleotides at nucleotide positions 64250 to 64251, causing a translational frameshift with a predicted alternate stop codon (p.T21417Sfs*11). This exon is located in the A-band region of the N2-B isoform of the titin protein and is constitutively expressed in TTN transcripts (percent spliced in or PSI 100%). This variant is considered to be rare based on population cohorts in the Genome Aggregation Database (gnomAD). This alteration is expected to result in loss of function by premature protein truncation or nonsense-mediated mRNA decay. While truncating variants in TTN are present in 1-3% of the general population, truncating variants in the A-band are the most common cause of dilated cardiomyopathy (DCM) (Herman DS et al. N. Engl. J. Med., 2012 Feb;366:619-28; Roberts AM et al. Sci Transl Med, 2015 Jan;7:270ra6). TTN truncating variants encoded in constitutive exons (PSI >90%) have been found to be significantly associated with DCM regardless of their position in titin (Schafer S et al. Nat. Genet., 2017 01;49:46-53). Based on the majority of available evidence to date, this variant is likely to be pathogenic.

Laboratory for Molecular Medicine, Mass General Brigham Personalized Medicine
Classification: Likely pathogenic for Primary dilated cardiomyopathy. Last evaluated: 2017-11-02. Review status: criteria provided, single submitter. Criteria: ACMG Guidelines, 2015. Collection method: clinical testing. Allele origin: germline. Inheritance: Autosomal dominant inheritance.
Comment: The p.Thr27914fs variant in TTN has not been previously reported in individuals with dilated cardiomyopathy and was absent from large population studies. This variant is predicted to cause a frameshift, which alters the protein’s amino acid sequence beginning at position 27914 and leads to a premature termination codon 11 amino acids downstream. This alteration is then predicted to lead to a truncated or absent protein. Frameshift and other truncating variants in TTN are strongly associated with DCM if they impact the exons encoding for the A-band (Herman 2012, Pugh 2014) and/or are located in an exon that is highly expressed in the heart (Roberts 2015). The p.Thr27914fs variant is located in A-band in the highly expressed exon 285. In summary, although additional studies are required to fully establish its clinical significance, the p.Thr27914fs variant is likely pathogenic. ACMG/AMP Criteria applied: PVS1, PM2.

Literature cited by the submitters: PubMed 25589632 (cited by Labcorp Genetics (formerly Invitae), Labcorp); PubMed 23975875 (cited by Labcorp Genetics (formerly Invitae), Labcorp).